The following is an entry in ClinVar:

ClinVar aggregate classification (germline): Conflicting classifications of pathogenicity. Review status: criteria provided, conflicting classifications (1 of 4 stars). 3 submissions from 3 submitters: Uncertain significance (1); Likely benign (2). Last evaluated 2026-01-28.

Conditions:
Inborn genetic diseases. Identifiers: MedGen C0950123, MeSH D030342.
Developmental and epileptic encephalopathy, 48 (DEE48). Also called: Epileptic encephalopathy, early infantile, 48. Identifiers: MedGen C4310637, MONDO:0015000, OMIM 617276.

Allele frequency attached by ClinVar (database versions not stated): gnomAD exomes 0.00010 and 0.00016; ExAC 0.00022; 1000 Genomes Project 30x 0.00062; 1000 Genomes Project 0.00080; gnomAD 0.00093 and 0.00104; ESP Exome Variant Server 0.00096; TOPMed 0.00115.
gnomAD v4.1: 297 of 1,613,956 alleles (0.018%); highest among the groups gnomAD compares: African/African-American, 0.35%; no homozygotes.

Submissions (3):

Labcorp Genetics (formerly Invitae), Labcorp
Classification: Likely benign. Last evaluated: 2026-01-28. Review status: criteria provided, single submitter. Criteria: Invitae Variant Classification Sherloc (09022015). Collection method: clinical testing. Allele origin: germline.

Ambry Genetics
Classification: Likely benign for Inborn genetic diseases. Last evaluated: 2024-11-27. Review status: criteria provided, single submitter. Criteria: Ambry Variant Classification Scheme 2023. Collection method: clinical testing. Allele origin: germline.

Baylor Genetics
Classification: Uncertain significance for Developmental and epileptic encephalopathy, 48. Last evaluated: 2019-04-19. Review status: criteria provided, single submitter. Criteria: ACMG Guidelines, 2015. Collection method: clinical testing. Allele origin: paternal. Affected: yes.
Comment: This variant was determined to be of uncertain significance according to ACMG Guidelines, 2015 [PMID:25741868].

NM_001278512.2(AP3B2):c.3143C>A (p.Ser1048Tyr)

Genes: AP3B2 (adaptor related protein complex 3 subunit beta 2; minus strand), CPEB1-AS1 (CPEB1 antisense RNA 1; plus strand). Cytogenetic location: 15q25.2.
Variant type: single nucleotide variant.
Coding change: c.3143C>A on transcript NM_001278512.2 (MANE Select); coding-DNA position 3143, C replaced by A.
Protein change: p.Ser1048Tyr; replaces serine 1048 with tyrosine.
Molecular consequence: missense variant.
Genome position (GRCh38, 1-based): chr15:82,659,857, G>T on the plus strand (C>A on the coding strand, the complement: AP3B2 is on the minus strand). VCF-style: chr15-82659857-G-T. GRCh37 (hg19) VCF-style: chr15-83328609-G-T.
Other names: c.2990C>A, p.Ser997Tyr (NM_001278511.2); c.275C>A, p.Ser92Tyr (NM_001348441.2); c.3086C>A, p.Ser1029Tyr (NM_004644.5); short protein forms S92Y, S1029Y, S1048Y, S997Y.
Identifiers: ClinVar variation 786277 (VCV000786277.12), dbSNP rs147455569, ClinGen allele CA7699691.